The following is an entry in ClinVar:

NM_000505.4(F12):c.800+2T>C

Gene: F12 (coagulation factor XII; minus strand). Cytogenetic location: 5q35.3.
Variant type: single nucleotide variant.
Coding change: c.800+2T>C on transcript NM_000505.4 (MANE Select); the canonical splice donor site of the intron after coding-DNA position 800, T replaced by C.
Molecular consequence: splice donor variant.
Genome position (GRCh38, 1-based): chr5:177,404,497, A>G on the plus strand (T>C on the coding strand, the complement: F12 is on the minus strand). VCF-style: chr5-177404497-A-G. GRCh37 (hg19) VCF-style: chr5-176831498-A-G.
Identifiers: ClinVar variation 4085814 (VCV004085814.8).

ClinVar aggregate classification (germline): Pathogenic (1 of 4 stars; one submission).

gnomAD v4.1: 1 of 1,591,420 alleles (0.000063%); highest among the groups gnomAD compares: Non-Finnish European, 0.000086%; no homozygotes.

Submission:

CeGaT Center for Human Genetics Tuebingen
Classification: Pathogenic. Last evaluated: 2025-08-01. Review status: criteria provided, single submitter. Criteria: CeGaT Center For Human Genetics Tuebingen Variant Classification Criteria Version 2. Collection method: clinical testing. Allele origin: germline. Affected: yes. Observed: 1 variant allele.
Comment: F12: PVS1, PM2